The following is an entry in ClinVar:

NM_002225.5(IVD):c.994C>T (p.Arg332Cys)

Gene: IVD (isovaleryl-CoA dehydrogenase; plus strand). Cytogenetic location: 15q15.1.
Variant type: single nucleotide variant.
Coding change: c.994C>T on transcript NM_002225.5 (MANE Select); coding-DNA position 994, C replaced by T.
Protein change: p.Arg332Cys; replaces arginine 332 with cysteine.
Molecular consequence: missense variant. On other transcripts: non-coding transcript variant (1).
Genome position (GRCh38, 1-based): chr15:40,416,111, C>T. VCF-style: chr15-40416111-C-T. GRCh37 (hg19) VCF-style: chr15-40708310-C-T.
Other names: c.904C>T, p.Arg302Cys (NM_001159508.3); c.946C>T, p.Arg316Cys (NM_001354597.3); c.994C>T, p.Arg332Cys (NM_001354598.3, NM_001354601.3); c.1081C>T, p.Arg361Cys (NM_001354599.3, NM_001354600.3); short protein forms R332C, R302C, R316C, R361C.
Identifiers: ClinVar variation 1351047 (VCV001351047.5), dbSNP rs1891643589, ClinGen allele CA391722890.

ClinVar aggregate classification (germline): Uncertain significance (1 of 4 stars; one submission).

Conditions:
Isovaleryl-CoA dehydrogenase deficiency (IVA). Also called: ISOVALERIC ACID CoA DEHYDROGENASE DEFICIENCY; Isovaleric acidemia; Classic Isovaleric Acidemia; IVD DEFICIENCY. Identifiers: Orphanet 33, MedGen C0268575, MONDO:0009475, OMIM 243500.

Allele frequency attached by ClinVar (database versions not stated): TOPMed below 0.00001; gnomAD 0.00001; gnomAD exomes 0.00001.
gnomAD v4.1: 16 of 1,614,140 alleles (0.00099%); highest among the groups gnomAD compares: Admixed American, 0.0017%; no homozygotes.

Submission:

Labcorp Genetics (formerly Invitae), Labcorp
Classification: Uncertain significance for Isovaleryl-CoA dehydrogenase deficiency. Last evaluated: 2021-09-30. Review status: criteria provided, single submitter. Criteria: Invitae Variant Classification Sherloc (09022015). Collection method: clinical testing. Allele origin: germline.
Comment: This sequence change replaces arginine with cysteine at codon 335 of the IVD protein (p.Arg335Cys). The arginine residue is highly conserved and there is a large physicochemical difference between arginine and cysteine. This variant is not present in population databases (ExAC no frequency). This variant has not been reported in the literature in individuals with IVD-related conditions. Algorithms developed to predict the effect of missense changes on protein structure and function (SIFT, PolyPhen-2, Align-GVGD) all suggest that this variant is likely to be disruptive, but these predictions have not been confirmed by published functional studies and their clinical significance is uncertain. In summary, the available evidence is currently insufficient to determine the role of this variant in disease. Therefore, it has been classified as a Variant of Uncertain Significance.